The following is an entry in ClinVar:

ClinVar aggregate classification (germline): Uncertain significance. Review status: criteria provided, multiple submitters, no conflicts (2 of 4 stars). 3 submissions from 3 submitters: Uncertain significance (3). Last evaluated 2024-04-22.

Conditions:
Hereditary cancer-predisposing syndrome. Also called: Hereditary Cancer Syndrome; Neoplastic Syndromes, Hereditary; Tumor predisposition; Hereditary neoplastic syndrome. Identifiers: Orphanet 140162, MedGen C0027672, MeSH D009386, MONDO:0015356.
Hereditary breast ovarian cancer syndrome. Also called: Hereditary breast and ovarian cancer syndrome; Hereditary breast and ovarian cancer; Hereditary breast and ovarian cancer syndrome (HBOC); Breast and ovarian cancer; Hereditary breast and/or ovarian cancer syndrome; BRCA1- and BRCA2-Associated Hereditary Breast and Ovarian Cancer. Identifiers: Orphanet 145, MedGen C0677776, MeSH D061325, MONDO:0003582. Disease mechanism: loss of function.

Submissions (3):

Women's Health and Genetics/Laboratory Corporation of America, LabCorp
Classification: Uncertain significance. Last evaluated: 2024-04-22. Review status: criteria provided, single submitter. Criteria: LabCorp Variant Classification Summary - May 2015. Collection method: clinical testing. Allele origin: germline.
Comment: Variant summary: BRCA1 c.529T>A (p.Ser177Thr) results in a conservative amino acid change in the encoded protein sequence. Three of five in-silico tools predict a benign effect of the variant on protein function. The variant was absent in 251454 control chromosomes. The available data on variant occurrences in the general population are insufficient to allow any conclusion about variant significance. c.529T>A has been reported in the literature in an individual affected with breast cancer without strong evidence for causality (example: Keshavarzi_2013). These report(s) do not provide unequivocal conclusions about association of the variant with Hereditary Breast And Ovarian Cancer Syndrome. To our knowledge, no experimental evidence demonstrating an impact on protein function has been reported. The following publication has been ascertained in the context of this evaluation (PMID: 21918854). ClinVar contains an entry for this variant (Variation ID: 481474). Based on the evidence outlined above, the variant was classified as uncertain significance.

Labcorp Genetics (formerly Invitae), Labcorp
Classification: Uncertain significance for Hereditary breast ovarian cancer syndrome. Last evaluated: 2022-03-27. Review status: criteria provided, single submitter. Criteria: Invitae Variant Classification Sherloc (09022015). Collection method: clinical testing. Allele origin: germline.
Comment: In summary, the available evidence is currently insufficient to determine the role of this variant in disease. Therefore, it has been classified as a Variant of Uncertain Significance. Advanced modeling of protein sequence and biophysical properties (such as structural, functional, and spatial information, amino acid conservation, physicochemical variation, residue mobility, and thermodynamic stability) performed at Invitae indicates that this missense variant is not expected to disrupt BRCA1 protein function. ClinVar contains an entry for this variant (Variation ID: 481474). This missense change has been observed in individual(s) with breast cancer (PMID: 21918854). This variant is not present in population databases (gnomAD no frequency). This sequence change replaces serine, which is neutral and polar, with threonine, which is neutral and polar, at codon 177 of the BRCA1 protein (p.Ser177Thr).

Ambry Genetics
Classification: Uncertain significance for Hereditary cancer-predisposing syndrome. Last evaluated: 2019-08-27. Review status: criteria provided, single submitter. Criteria: Ambry Variant Classification Scheme 2023. Collection method: clinical testing. Allele origin: germline.
Comment: The p.S177T variant (also known as c.529T>A), located in coding exon 6 of the BRCA1 gene, results from a T to A substitution at nucleotide position 529. The serine at codon 177 is replaced by threonine, an amino acid with similar properties. This amino acid position is well conserved in available vertebrate species. In addition, this alteration is predicted to be deleterious by in silico analysis. Since supporting evidence is limited at this time, the clinical significance of this alteration remains unclear.

Literature cited by the submitters: PubMed 21918854 (cited by 3 submitters).

NM_007294.4(BRCA1):c.529T>A (p.Ser177Thr)

Gene: BRCA1 (BRCA1 DNA repair associated; minus strand). Cytogenetic location: 17q21.31.
Variant type: single nucleotide variant.
Coding change: c.529T>A on transcript NM_007294.4 (MANE Select); coding-DNA position 529, T replaced by A.
Protein change: p.Ser177Thr; replaces serine 177 with threonine.
Molecular consequence: missense variant. On other transcripts: non-coding transcript variant (1).
Genome position (GRCh38, 1-based): chr17:43,099,793, A>T on the plus strand (T>A on the coding strand, the complement: BRCA1 is on the minus strand). VCF-style: chr17-43099793-A-T. GRCh37 (hg19) VCF-style: chr17-41251810-A-T.
Other names: c.526T>A, p.Ser176Thr (NM_001408445.1, NM_001408446.1, NM_001408447.1 and 65 more transcripts); c.316T>A, p.Ser106Thr (NM_001407571.1, NM_001408490.1, NM_001408491.1 and 18 more transcripts); c.529T>A, p.Ser177Thr (NM_001407581.1, NM_001407582.1, NM_001407583.1 and 97 more transcripts); c.394T>A, p.Ser132Thr (NM_001408451.1); c.388T>A, p.Ser130Thr (NM_001408452.1, NM_001408453.1, NM_001408454.1 and 61 more transcripts); c.385T>A, p.Ser129Thr (NM_001408462.1, NM_001408463.1, NM_001408464.1 and 35 more transcripts); c.451T>A, p.Ser151Thr (NM_001408474.1, NM_001408476.1, NM_001407653.1 and 12 more transcripts); c.448T>A, p.Ser150Thr (NM_001408475.1, NM_001407659.1, NM_001407660.1 and 6 more transcripts); and 4 more; short protein forms S177T, S130T, S151T, S49T, S106T, S107T, S176T, S132T.
Identifiers: ClinVar variation 481474 (VCV000481474.13), dbSNP rs1555594827, ClinGen allele CA10601083.